The following is an entry in ClinVar:

ClinVar aggregate classification (germline): Uncertain significance (1 of 4 stars; one submission).

Conditions:
Hemochromatosis type 4 (HFE4). Also called: Ferroportin disease; HEMOCHROMATOSIS DUE TO DEFECT IN FERROPORTIN; HEMOCHROMATOSIS, AUTOSOMAL DOMINANT. Identifiers: Orphanet 139491, Orphanet 647834, Orphanet 648562, MedGen C1853733, MONDO:0011631, OMIM 606069.

Submission:

Juno Genomics, Hangzhou Juno Genomics, Inc
Classification: Uncertain significance for Hemochromatosis type 4. Review status: criteria provided, single submitter. Criteria: ACMG Guidelines, 2015. Collection method: clinical testing. Allele origin: germline.
Comment: Absent from controls (or at extremely low frequency if recessive) in Genome Aggregation Database.;Multiple lines of computational evidence support a deleterious effect on the gene or gene product.

NM_014585.6(SLC40A1):c.398A>G (p.Tyr133Cys)

Gene: SLC40A1 (solute carrier family 40 member 1; minus strand). Cytogenetic location: 2q32.2.
Variant type: single nucleotide variant.
Coding change: c.398A>G on transcript NM_014585.6 (MANE Select); coding-DNA position 398, A replaced by G.
Protein change: p.Tyr133Cys; replaces tyrosine 133 with cysteine.
Molecular consequence: missense variant.
Genome position (GRCh38, 1-based): chr2:189,571,831, T>C on the plus strand (A>G on the coding strand, the complement: SLC40A1 is on the minus strand). VCF-style: chr2-189571831-T-C. GRCh37 (hg19) VCF-style: chr2-190436557-T-C.
Other names: short protein forms Y133C.
Identifiers: ClinVar variation 5006180 (VCV005006180.2).